The following is an entry in ClinVar:

ClinVar aggregate classification (germline): Conflicting classifications of pathogenicity. Review status: criteria provided, conflicting classifications (1 of 4 stars). 6 submissions from 6 submitters: Pathogenic (1); Likely pathogenic (2); Uncertain significance (1). 2 of the submissions do not count toward it. Last evaluated 2024-01-18.

Conditions:
RECQL4-related disorder. Also called: RECQL4-related disorders; RECQL4-related condition.
Rapadilino syndrome. Identifiers: Orphanet 3021, MedGen C1849453, MONDO:0009955, OMIM 266280.
Baller-Gerold syndrome (BGS). Also called: CRANIOSYNOSTOSIS WITH RADIAL DEFECTS. Identifiers: Orphanet 1225, MedGen C0265308, MONDO:0009039, OMIM 218600.

Allele frequency attached by ClinVar (database versions not stated): ExAC below 0.00001; gnomAD exomes below 0.00001; gnomAD 0.00003; TOPMed 0.00003.
gnomAD v4.1: 25 of 1,594,652 alleles (0.0016%); highest among the groups gnomAD compares: Non-Finnish European, 0.0021%; no homozygotes.

Submissions (6):

Blueprint Genetics
Classification: Likely pathogenic for RECQL4-related disorders. Last evaluated: 2024-01-18. Review status: criteria provided, single submitter. Criteria: ACMG Guidelines, 2015. Collection method: clinical testing. Allele origin: germline. Affected: yes. Observed: 5 variant alleles.

Labcorp Genetics (formerly Invitae), Labcorp
Classification: Uncertain significance for Baller-Gerold syndrome. Last evaluated: 2023-08-27. Review status: criteria provided, single submitter. Criteria: Invitae Variant Classification Sherloc (09022015). Collection method: clinical testing. Allele origin: germline.
Comment: This missense change has been observed in individual(s) with Rapadilino syndrome (PMID: 18716613). In summary, the available evidence is currently insufficient to determine the role of this variant in disease. Therefore, it has been classified as a Variant of Uncertain Significance. Experimental studies have shown that this missense change affects RECQL4 function (PMID: 23238538). Advanced modeling of protein sequence and biophysical properties (such as structural, functional, and spatial information, amino acid conservation, physicochemical variation, residue mobility, and thermodynamic stability) performed at Invitae indicates that this missense variant is expected to disrupt RECQL4 protein function. ClinVar contains an entry for this variant (Variation ID: 56403). This variant is present in population databases (rs386833848, gnomAD 0.001%). This sequence change replaces phenylalanine, which is neutral and non-polar, with serine, which is neutral and polar, at codon 637 of the RECQL4 protein (p.Phe637Ser).

GeneDx
Classification: Pathogenic. Last evaluated: 2023-04-03. Review status: criteria provided, single submitter. Criteria: GeneDx Variant Classification Process June 2021. Collection method: clinical testing. Allele origin: germline. Affected: yes.
Comment: Not observed at a significant frequency in large population cohorts (gnomAD); Published functional studies demonstrate a damaging effect through deficiencies in helicase and ATPase activities (Jensen et al., 2012); In silico analysis supports that this missense variant has a deleterious effect on protein structure/function; This variant is associated with the following publications: (PMID: 18716613, 23238538)

Women's Health and Genetics/Laboratory Corporation of America, LabCorp
Classification: Likely pathogenic for RECQL4-Related Disorders. Last evaluated: 2022-12-07. Review status: criteria provided, single submitter. Criteria: LabCorp Variant Classification Summary - May 2015. Collection method: clinical testing. Allele origin: germline.
Comment: Variant summary: RECQL4 c.1910T>C (p.Phe637Ser) results in a non-conservative amino acid change within the Helicase core (RecA-like domain 1; Jensen_2012) of the encoded protein sequence. Three of three in-silico tools predict a damaging effect of the variant on protein function. The variant allele was found at a frequency of 4.8e-06 in 209680 control chromosomes. c.1910T>C has been reported in the literature in an individual affected with RAPADILINO Syndrome (Siitonen_2009), and this patient was reported as compound heterozygous with another pathogenic variant. This suggests the variant is likely to be associated with disease. One publication reports experimental evidence evaluating an impact on protein function, showing an elimination of helicase activity and a reduction of ATPase activity to <10% of the wild-type protein. One clinical diagnostic laboratory has submitted clinical-significance assessments for this variant to ClinVar after 2014, classifying the variant as uncertain significance. Based on the evidence outlined above, the variant was classified as likely pathogenic.

PreventionGenetics, part of Exact Sciences
Classification: Uncertain significance for RECQL4-related condition. Last evaluated: 2024-08-09. Review status: no assertion criteria provided. Collection method: clinical testing. Allele origin: germline. Not counted in ClinVar's aggregate classification.
Comment: The RECQL4 c.1910T>C variant is predicted to result in the amino acid substitution p.Phe637Ser. This variant was reported in the compound heterozygous state in an individual with RAPADILINO syndrome (Siitonen et al. 2009. PubMed ID: 18716613). In vitro functional studies suggest this variant impacts protein function (Jensen et al. 2012. PubMed ID: 23238538). This variant is reported in 0.0011% of alleles in individuals of European (Non-Finnish) descent in gnomAD. Although we suspect that this variant may be pathogenic, at this time, the clinical significance of this variant is uncertain due to the absence of conclusive functional and genetic evidence.

Juha Muilu Group; Institute for Molecular Medicine Finland (FIMM)
Classification: Likely pathogenic for Rapadilino syndrome. Review status: no assertion criteria provided. Collection method: not provided. Allele origin: unknown. Not counted in ClinVar's aggregate classification.
Comment: FinDis database variant: This variant was not found or characterized by our laboratory, data were collected from public sources: see reference
ClinVar note: Converted during submission from probable-pathogenic to Likely pathogenic.

Literature cited by the submitters: PubMed 18716613 (cited by Labcorp Genetics (formerly Invitae), Labcorp and Women's Health and Genetics/Laboratory Corporation of America, LabCorp); PubMed 23238538 (cited by Labcorp Genetics (formerly Invitae), Labcorp and Women's Health and Genetics/Laboratory Corporation of America, LabCorp).

NM_004260.4(RECQL4):c.1910T>C (p.Phe637Ser)

Gene: RECQL4 (RecQ like helicase 4; minus strand). Cytogenetic location: 8q24.3.
Variant type: single nucleotide variant.
Coding change: c.1910T>C on transcript NM_004260.4 (MANE Select); coding-DNA position 1910, T replaced by C.
Protein change: p.Phe637Ser; replaces phenylalanine 637 with serine.
Molecular consequence: missense variant.
Genome position (GRCh38, 1-based): chr8:144,514,076, A>G on the plus strand (T>C on the coding strand, the complement: RECQL4 is on the minus strand). VCF-style: chr8-144514076-A-G. GRCh37 (hg19) VCF-style: chr8-145739460-A-G.
Other names: short protein forms F637S.
Identifiers: ClinVar variation 56403 (VCV000056403.10), dbSNP rs386833848, ClinGen allele CA144330.